The following is an entry in ClinVar:

ClinVar aggregate classification (germline): Benign (1 of 4 stars; one submission).

Conditions:
Hereditary pheochromocytoma and paraganglioma. Also called: Hereditary Paraganglioma-Pheochromocytoma Syndromes; Hereditary paragangliomas and pheochromocytomas; Hereditary pheochromocytoma-paraganglioma. Identifiers: Orphanet 29072, MedGen C4274332, MONDO:0017366.

Allele frequency attached by ClinVar (database versions not stated): 1000 Genomes Project 0.02296; gnomAD exomes 0.00414; TOPMed 0.02239; 1000 Genomes Project 30x 0.02327; gnomAD 0.01951.

Submission:

Illumina Laboratory Services, Illumina
Classification: Benign for Hereditary Paraganglioma-Pheochromocytoma Syndromes. Last evaluated: 2018-01-29. Review status: criteria provided, single submitter. Criteria: ICSL Variant Classification Criteria 13 December 2019. Collection method: clinical testing. Allele origin: germline.
Comment: This variant was observed as part of a predisposition screen in an ostensibly healthy population. A literature search was performed for the gene, cDNA change, and amino acid change (where applicable). No publications were found based on this search. Allele frequency data from public databases was too high to be consistent with this variant causing disease. Therefore, this variant is classified as benign.

NM_003001.3(SDHC):c.*1379C>T

Gene: SDHC (succinate dehydrogenase complex subunit C; plus strand). Cytogenetic location: 1q23.3.
Variant type: single nucleotide variant.
Coding change: c.*1379C>T on transcript NM_003001.3; 1379 bases downstream of the stop codon, C replaced by T.
Genome position (GRCh38, 1-based): chr1:161,363,812, C>T. VCF-style: chr1-161363812-C-T. GRCh37 (hg19) VCF-style: chr1-161333602-C-T.
Identifiers: ClinVar variation 293349 (VCV000293349.7), dbSNP rs114731359, ClinGen allele CA10608193.